The following is an entry in ClinVar:

ClinVar aggregate classification (germline): Uncertain significance (1 of 4 stars; one submission).

Conditions:
Trichorhinophalangeal dysplasia type I (TRPS1). Also called: TRICHORHINOPHALANGEAL SYNDROME, TYPE I; TRPS I. Identifiers: Orphanet 77258, MedGen C0432233, MONDO:0008596, OMIM 190350.
Trichorhinophalangeal syndrome, type III (TRPS3). Also called: SUGIO-KAJII SYNDROME. Identifiers: Orphanet 77258, MedGen C1860823, OMIM 190351, MONDO:0008597.

Submission:

Labcorp Genetics (formerly Invitae), Labcorp
Classification: Uncertain significance for Trichorhinophalangeal syndrome, type III; Trichorhinophalangeal dysplasia type I. Last evaluated: 2025-11-13. Review status: criteria provided, single submitter. Criteria: Invitae Variant Classification Sherloc (09022015). Collection method: clinical testing. Allele origin: germline.
Comment: This sequence change replaces arginine, which is basic and polar, with glycine, which is neutral and non-polar, at codon 841 of the TRPS1 protein (p.Arg841Gly). This variant is not present in population databases (gnomAD no frequency). This variant has not been reported in the literature in individuals affected with TRPS1-related conditions. Invitae Evidence Modeling of protein sequence and biophysical properties (such as structural, functional, and spatial information, amino acid conservation, physicochemical variation, residue mobility, and thermodynamic stability) indicates that this missense variant is not expected to disrupt TRPS1 protein function with a negative predictive value of 80%. In summary, the available evidence is currently insufficient to determine the role of this variant in disease. Therefore, it has been classified as a Variant of Uncertain Significance.

NM_014112.5(TRPS1):c.2521A>G (p.Arg841Gly)

Gene: TRPS1 (transcriptional repressor GATA binding 1; minus strand). Cytogenetic location: 8q23.3.
Variant type: single nucleotide variant.
Coding change: c.2521A>G on transcript NM_014112.5 (MANE Select); coding-DNA position 2521, A replaced by G.
Protein change: p.Arg841Gly; replaces arginine 841 with glycine.
Molecular consequence: missense variant.
Genome position (GRCh38, 1-based): chr8:115,587,180, T>C on the plus strand (A>G on the coding strand, the complement: TRPS1 is on the minus strand). VCF-style: chr8-115587180-T-C. GRCh37 (hg19) VCF-style: chr8-116599407-T-C.
Other names: c.2494A>G, p.Arg832Gly (NM_001282902.3); c.2500A>G, p.Arg834Gly (NM_001282903.3); c.2482A>G, p.Arg828Gly (NM_001330599.2); short protein forms R828G, R832G, R834G, R841G.
Identifiers: ClinVar variation 4788303 (VCV004788303.1).